The following is an entry in ClinVar:

ClinVar aggregate classification (germline): Uncertain significance. Review status: criteria provided, multiple submitters, no conflicts (2 of 4 stars). 4 submissions from 4 submitters: Uncertain significance (4). Last evaluated 2024-01-29.

Conditions:
Inborn genetic diseases. Identifiers: MedGen C0950123, MeSH D030342.
Houge-Janssens syndrome 1. Also called: PPP2R5D-Related Neurodevelopmental Disorder; Intellectual disability-macrocephaly-hypotonia-behavioral abnormalities syndrome; INTELLECTUAL DEVELOPMENTAL DISORDER, AUTOSOMAL DOMINANT 35; Hogue-Janssens syndrome 1. Identifiers: Orphanet 457279, MedGen C5779996, MONDO:0014602, OMIM 616355.

Allele frequency attached by ClinVar (database versions not stated): gnomAD exomes below 0.00001.
gnomAD v4.1: 3 of 1,614,112 alleles (0.00019%); highest among the groups gnomAD compares: Non-Finnish European, 0.00025%; no homozygotes.

Submissions (4):

Ambry Genetics
Classification: Uncertain significance for Inborn genetic diseases. Last evaluated: 2024-01-29. Review status: criteria provided, single submitter. Criteria: Ambry Variant Classification Scheme 2023. Collection method: clinical testing. Allele origin: germline.

Labcorp Genetics (formerly Invitae), Labcorp
Classification: Uncertain significance. Last evaluated: 2023-12-13. Review status: criteria provided, single submitter. Criteria: Invitae Variant Classification Sherloc (09022015). Collection method: clinical testing. Allele origin: germline.
Comment: This sequence change replaces threonine, which is neutral and polar, with methionine, which is neutral and non-polar, at codon 291 of the PPP2R5D protein (p.Thr291Met). This variant is present in population databases (no rsID available, gnomAD 0.0009%). This variant has not been reported in the literature in individuals affected with PPP2R5D-related conditions. ClinVar contains an entry for this variant (Variation ID: 2579483). An algorithm developed to predict the effect of missense changes on protein structure and function (PolyPhen-2) suggests that this variant is likely to be disruptive. In summary, the available evidence is currently insufficient to determine the role of this variant in disease. Therefore, it has been classified as a Variant of Uncertain Significance.

GeneDx
Classification: Uncertain significance. Last evaluated: 2023-09-05. Review status: criteria provided, single submitter. Criteria: GeneDx Variant Classification Process June 2021. Collection method: clinical testing. Allele origin: germline. Affected: yes.
Comment: In silico analysis supports that this missense variant has a deleterious effect on protein structure/function; Has not been previously published as pathogenic or benign to our knowledge

Center for Molecular Medicine, Children’s Hospital of Fudan University
Classification: Uncertain significance for Houge-Janssens syndrome 1. Last evaluated: 2019-06-05. Review status: criteria provided, single submitter. Criteria: ACMG Guidelines, 2015. Collection method: clinical testing. Allele origin: unknown. Affected: yes.

NM_006245.4(PPP2R5D):c.872C>T (p.Thr291Met)

Gene: PPP2R5D (protein phosphatase 2 regulatory subunit B'delta; plus strand). Cytogenetic location: 6p21.1.
Variant type: single nucleotide variant.
Coding change: c.872C>T on transcript NM_006245.4 (MANE Select); coding-DNA position 872, C replaced by T.
Protein change: p.Thr291Met; replaces threonine 291 with methionine.
Molecular consequence: missense variant.
Genome position (GRCh38, 1-based): chr6:43,008,215, C>T. VCF-style: chr6-43008215-C-T. GRCh37 (hg19) VCF-style: chr6-42975953-C-T.
Other names: c.419C>T, p.Thr140Met (NM_001270476.2); c.776C>T, p.Thr259Met (NM_180976.3); c.554C>T, p.Thr185Met (NM_180977.3); c.872C>T (NM_006245.2); short protein forms T140M, T185M, T259M, T291M.
Identifiers: ClinVar variation 2579483 (VCV002579483.6), dbSNP rs1437917476, ClinGen allele CA364190609.